The following is an entry in ClinVar:

ClinVar aggregate classification (germline): Pathogenic. Review status: reviewed by expert panel (3 of 4 stars). 4 submissions from 4 submitters: Pathogenic (1). 3 of the submissions do not count toward it. Last evaluated 2017-03-17.

Conditions:
CFTR-related disorder (CFTR-RD). Also called: CFTR-related condition; CFTR-related disorders. Identifiers: MedGen C5924204, MONDO:7770004.
Cystic fibrosis (CF). Also called: MUCOVISCIDOSIS. Identifiers: Orphanet 586, MedGen C0010674, MONDO:0009061, OMIM 219700. Disease mechanism: loss of function.

Submissions (4):

CFTR2
Classification: Pathogenic for Cystic fibrosis. Last evaluated: 2017-03-17. Review status: reviewed by expert panel. Criteria: Sosnay PR et al. (Nat Genet 2013). Collection method: research. Allele origin: germline. Affected: yes. Study: CFTR2.

Women's Health and Genetics/Laboratory Corporation of America, LabCorp
Classification: Pathogenic for Cystic fibrosis. Last evaluated: 2026-04-14. Review status: criteria provided, single submitter. Criteria: LabCorp Variant Classification Summary - May 2015. Collection method: clinical testing. Allele origin: germline. Not counted in ClinVar's aggregate classification.
Comment: Variant summary: CFTR c.1202G>A (p.Trp401X) results in a premature termination codon, predicted to cause a truncation of the encoded protein or absence of the protein due to nonsense mediated decay, which are commonly known mechanisms for disease. The variant was absent in 250664 control chromosomes. c.1202G>A has been observed in individual(s) affected with Cystic Fibrosis (e.g. Zeybel_2017). Together this data suggests the variant is likely associated with disease. The following publication has been ascertained in the context of this evaluation (PMID: 27475719). ClinVar contains an entry for this variant (Variation ID: 53212). Based on the evidence outlined above, the variant was classified as pathogenic.

CFTR-France
Classification: Pathogenic for cystic fibrosis. Last evaluated: 2018-01-29. Review status: criteria provided, single submitter. Criteria: Claustres M et al. (Hum Mutat 2017). Collection method: curation. Allele origin: germline. Affected: yes. Not counted in ClinVar's aggregate classification.

Natera, Inc.
Classification: Pathogenic for CFTR-related disorders. Last evaluated: 2017-03-17. Review status: no assertion criteria provided. Collection method: clinical testing. Allele origin: germline. Not counted in ClinVar's aggregate classification.

Literature cited by the submitters: PubMed 27475719 (cited by Women's Health and Genetics/Laboratory Corporation of America, LabCorp).

NM_000492.4(CFTR):c.1202G>A (p.Trp401Ter)

Gene: CFTR (CF transmembrane conductance regulator; plus strand). Cytogenetic location: 7q31.2.
Variant type: single nucleotide variant.
Coding change: c.1202G>A on transcript NM_000492.4 (MANE Select); coding-DNA position 1202, G replaced by A.
Protein change: p.Trp401Ter; replaces tryptophan 401 with a stop codon.
Molecular consequence: nonsense.
Genome position (GRCh38, 1-based): chr7:117,542,101, G>A. VCF-style: chr7-117542101-G-A. GRCh37 (hg19) VCF-style: chr7-117182155-G-A.
Other names: short protein forms W401*.
Identifiers: ClinVar variation 53212 (VCV000053212.4), dbSNP rs397508174, ClinGen allele CA328081.